The following is an entry in ClinVar:

NM_015072.5(TTLL5):c.3134A>G (p.Tyr1045Cys)

Gene: TTLL5 (tubulin tyrosine ligase like 5; plus strand). Cytogenetic location: 14q24.3.
Variant type: single nucleotide variant.
Coding change: c.3134A>G on transcript NM_015072.5 (MANE Select); coding-DNA position 3134, A replaced by G.
Protein change: p.Tyr1045Cys; replaces tyrosine 1045 with cysteine.
Molecular consequence: missense variant.
Genome position (GRCh38, 1-based): chr14:75,793,063, A>G. VCF-style: chr14-75793063-A-G. GRCh37 (hg19) VCF-style: chr14-76259406-A-G.
Other names: short protein forms Y1045C.
Identifiers: ClinVar variation 1955194 (VCV001955194.5), dbSNP rs1892811022, ClinGen allele CA390473648.

ClinVar aggregate classification (germline): Uncertain significance (1 of 4 stars; one submission).

Submission:

Labcorp Genetics (formerly Invitae), Labcorp
Classification: Uncertain significance. Last evaluated: 2022-01-12. Review status: criteria provided, single submitter. Criteria: Invitae Variant Classification Sherloc (09022015). Collection method: clinical testing. Allele origin: germline.
Comment: This sequence change replaces tyrosine, which is neutral and polar, with cysteine, which is neutral and slightly polar, at codon 1045 of the TTLL5 protein (p.Tyr1045Cys). This variant is not present in population databases (gnomAD no frequency). This variant has not been reported in the literature in individuals affected with TTLL5-related conditions. Algorithms developed to predict the effect of missense changes on protein structure and function are either unavailable or do not agree on the potential impact of this missense change (SIFT: "Deleterious"; PolyPhen-2: "Probably Damaging"; Align-GVGD: "Class C0"). In summary, the available evidence is currently insufficient to determine the role of this variant in disease. Therefore, it has been classified as a Variant of Uncertain Significance.